The following is an entry in ClinVar:

NM_001128225.3(SLC39A13):c.958G>T (p.Val320Phe)

Gene: SLC39A13 (solute carrier family 39 member 13; plus strand). Cytogenetic location: 11p11.2.
Variant type: single nucleotide variant.
Coding change: c.958G>T on transcript NM_001128225.3 (MANE Select); coding-DNA position 958, G replaced by T.
Protein change: p.Val320Phe; replaces valine 320 with phenylalanine.
Molecular consequence: missense variant. On other transcripts: synonymous variant (3), non-coding transcript variant (1).
Genome position (GRCh38, 1-based): chr11:47,415,077, G>T. VCF-style: chr11-47415077-G-T. GRCh37 (hg19) VCF-style: chr11-47436628-G-T.
Other names: c.933G>T, p.Gly311= (NM_001330245.2); c.937G>T, p.Val313Phe (NM_001441271.1, NM_152264.5); c.850G>T, p.Val284Phe (NM_001441272.1); c.847G>T, p.Val283Phe (NM_001441273.1); c.739G>T, p.Val247Phe (NM_001441274.1); c.825G>T, p.Gly275= (NM_001441275.1); c.696G>T, p.Gly232= (NM_001441276.1); short protein forms V320F, V284F, V247F, V313F, V283F.
Identifiers: ClinVar variation 5009617 (VCV005009617.1).

ClinVar aggregate classification (germline): Uncertain significance (1 of 4 stars; one submission).

gnomAD v4.1: 2 of 1,613,484 alleles (0.00012%); highest among the groups gnomAD compares: Non-Finnish European, 0.00017%; no homozygotes.

Submission:

GeneDx
Classification: Uncertain significance. Last evaluated: 2026-02-19. Review status: criteria provided, single submitter. Criteria: GeneDx Variant Classification Process June 2021. Collection method: clinical testing. Allele origin: germline.
Comment: Not observed at significant frequency in large population cohorts (gnomAD); In silico analysis supports that this missense variant has a deleterious effect on protein structure/function; Has not been previously published as pathogenic or benign to our knowledge